The following is an entry in ClinVar:

NM_000719.7(CACNA1C):c.3560G>A (p.Arg1187Gln)

Gene: CACNA1C (calcium voltage-gated channel subunit alpha1 C; plus strand). Cytogenetic location: 12p13.33.
Variant type: single nucleotide variant.
Coding change: c.3560G>A on transcript NM_000719.7 (MANE Select); coding-DNA position 3560, G replaced by A.
Protein change: p.Arg1187Gln; replaces arginine 1187 with glutamine.
Molecular consequence: missense variant.
Genome position (GRCh38, 1-based): chr12:2,610,542, G>A. VCF-style: chr12-2610542-G-A. GRCh37 (hg19) VCF-style: chr12-2719708-G-A.
Other names: c.3560G>A, p.Arg1187Gln (NM_001129840.2, NM_001129841.2, NM_001129842.2 and 15 more transcripts); c.3551G>A, p.Arg1184Gln (NM_001129844.2); c.3620G>A, p.Arg1207Gln (NM_199460.4, NM_001129827.2, NM_001129832.2); short protein forms R1187Q, R1207Q, R1184Q.
Identifiers: ClinVar variation 166771 (VCV000166771.18), dbSNP rs368861681, ClinGen allele CA233590.
Genomic context (GRCh38, chr12:2,610,542, plus strand): 5'-TCCCCCCACACCCTCCAGTTAACTAACCCCACTCTCCCCATCCTCCACCACCCTCCCAGC[G>A]ACAGTGCGTGGAATACGCCCTCAAGGCCCGGCCCCTGCGGAGGTACATCCCCAAGAACCA-3'
Protein context (NP_000710.5, residues 1177-1197): YKNCELDKNQ[Arg1187Gln]QCVEYALKAR

ClinVar aggregate classification (germline): Uncertain significance. Review status: criteria provided, multiple submitters, no conflicts (2 of 4 stars). 5 submissions from 5 submitters: Uncertain significance (5). Last evaluated 2025-05-21.

Conditions:
Timothy syndrome (TS). Also called: LONG QT SYNDROME WITH SYNDACTYLY. Identifiers: Orphanet 65283, MedGen C1832916, MeSH C536962, MONDO:0010979, OMIM 601005.
Brugada syndrome 3 (BRGDA3). Identifiers: Orphanet 130, MedGen C2678478, MONDO:0012742, OMIM 611875.
Long QT syndrome 8. Identifiers: MedGen CN260585, MONDO:0032756, OMIM 618447.
Cardiovascular phenotype. Identifiers: MedGen CN230736.
Long QT syndrome (LQTS). Identifiers: MedGen C0023976, MeSH D008133, MONDO:0002442. Disease mechanism: loss of function. Inheritance: Various modes of inheritance.

Allele frequency attached by ClinVar (database versions not stated): gnomAD exomes 0.00001; ExAC 0.00001; ESP Exome Variant Server 0.00008.

Submissions (5):

KardioGenetik, Herz- und Diabeteszentrum NRW
Classification: Uncertain significance for Long QT syndrome 8. Last evaluated: 2025-05-21. Review status: criteria provided, single submitter. Criteria: ACMG Guidelines, 2015. Collection method: clinical testing. Allele origin: unknown. Affected: yes. Observed: 1 variant allele.
Comment: The variant co-occurs with the likely pathogenic variant in the KCNQ1-gene NM_000218.3:c.915G>C.

Fulgent Genetics
Classification: Uncertain significance for Timothy syndrome; Brugada syndrome 3; Long QT syndrome 8. Last evaluated: 2021-07-01. Review status: criteria provided, single submitter. Criteria: ACMG Guidelines, 2015. Collection method: clinical testing. Allele origin: unknown.

Ambry Genetics
Classification: Uncertain significance for Cardiovascular phenotype. Last evaluated: 2021-06-23. Review status: criteria provided, single submitter. Criteria: Ambry Variant Classification Scheme 2023. Collection method: clinical testing. Allele origin: germline.
Comment: The p.R1187Q variant (also known as c.3560G>A), located in coding exon 28 of the CACNA1C gene, results from a G to A substitution at nucleotide position 3560. The arginine at codon 1187 is replaced by glutamine, an amino acid with highly similar properties. This amino acid position is conserved. In addition, this alteration is predicted to be deleterious by in silico analysis. Since supporting evidence is limited at this time, the clinical significance of this alteration remains unclear.

Labcorp Genetics (formerly Invitae), Labcorp
Classification: Uncertain significance for Long QT syndrome. Last evaluated: 2021-02-23. Review status: criteria provided, single submitter. Criteria: Invitae Variant Classification Sherloc (09022015). Collection method: clinical testing. Allele origin: germline.
Comment: This sequence change replaces arginine with glutamine at codon 1187 of the CACNA1C protein (p.Arg1187Gln). The arginine residue is highly conserved and there is a small physicochemical difference between arginine and glutamine. This variant is present in population databases (rs368861681, ExAC 0.002%). This variant has not been reported in the literature in individuals with CACNA1C-related conditions. ClinVar contains an entry for this variant (Variation ID: 166771). Algorithms developed to predict the effect of missense changes on protein structure and function are either unavailable or do not agree on the potential impact of this missense change (SIFT: "Deleterious"; PolyPhen-2: "Possibly Damaging"; Align-GVGD: "Class C0"). In summary, the available evidence is currently insufficient to determine the role of this variant in disease. Therefore, it has been classified as a Variant of Uncertain Significance.

Eurofins Ntd Llc (ga)
Classification: Uncertain significance. Last evaluated: 2014-04-17. Review status: criteria provided, single submitter. Criteria: EGL Classification Definitions 2015. Collection method: clinical testing. Allele origin: germline. Observed: 1 variant allele, 1 heterozygote.